The following is an entry in ClinVar:

ClinVar aggregate classification (germline): Likely pathogenic (1 of 4 stars; one submission).

Conditions:
Perlman syndrome (PRLMNS). Identifiers: Orphanet 2849, MedGen C0796113, MONDO:0009965, OMIM 267000.

Submission:

Labcorp Genetics (formerly Invitae), Labcorp
Classification: Likely pathogenic for Perlman syndrome. Last evaluated: 2022-05-22. Review status: criteria provided, single submitter. Criteria: Invitae Variant Classification Sherloc (09022015). Collection method: clinical testing. Allele origin: germline.
Comment: This variant is a gross deletion of the genomic region encompassing exon(s) 15-21 of the DIS3L2 gene, which includes the termination codon. This deletion extends beyond the assayed region for this gene and therefore may encompass additional genes. While this deletion is not anticipated to lead to nonsense mediated decay, it is expected to alter mRNA translation or result in a truncated protein product. This variant has not been reported in the literature in individuals affected with DIS3L2-related conditions. Experimental studies and prediction algorithms are not available or were not evaluated, and the functional significance of this variant is currently unknown. This variant deletes a part of the ribonuclease II domain and all of the S1 RNA-binding domain of the DIS3L2 protein (PMID: 24141620, 23594738, 16957732). While there are no functional studies available for this variant, experimental studies have shown that deletion of S1 RNA-binding domain abolishes DIS3L2 ability to bind and degrade uridylated pre-let-7 RNA (PMID: 23594738). This suggests that disruption of this region of the protein is causative of disease. In summary, the currently available evidence indicates that the variant is pathogenic, but additional data are needed to prove that conclusively. Therefore, this variant has been classified as Likely Pathogenic.

Literature cited by the submitters: PubMed 24141620; PubMed 23594738; PubMed 16957732.

NC_000002.12:g.(?_232329803)_(232336630_?)del

Gene: DIS3L2 (DIS3 like 3'-5' exoribonuclease 2; plus strand). Cytogenetic location: 2q37.1.
Variant type: Deletion.
Identifiers: ClinVar variation 831829 (VCV000831829.2).